The following is an entry in ClinVar:

NM_000219.6(KCNE1):c.146T>G (p.Met49Arg)

Gene: KCNE1 (potassium voltage-gated channel subfamily E regulatory subunit 1; minus strand). Cytogenetic location: 21q22.12.
Variant type: single nucleotide variant.
Coding change: c.146T>G on transcript NM_000219.6 (MANE Select); coding-DNA position 146, T replaced by G.
Protein change: p.Met49Arg; replaces methionine 49 with arginine.
Molecular consequence: missense variant.
Genome position (GRCh38, 1-based): chr21:34,449,489, A>C on the plus strand (T>G on the coding strand, the complement: KCNE1 is on the minus strand). VCF-style: chr21-34449489-A-C. GRCh37 (hg19) VCF-style: chr21-35821787-A-C.
Other names: c.146T>G, p.Met49Arg (NM_001127668.4, NM_001127669.4, NM_001127670.4 and 4 more transcripts); short protein forms M49R.
Identifiers: ClinVar variation 3374167 (VCV003374167.2).

Conditions:
Long QT syndrome 5 (LQT5). Identifiers: Orphanet 101016, Orphanet 768, MedGen C1867904, MONDO:0013372, OMIM 613695.

Submission:

Roden Lab, Vanderbilt University Medical Center
No classification provided (evidence only). Condition: Long QT syndrome 5. Review status: no classification provided. Collection method: in vitro. Allele origin: not applicable. Functional consequence: Effect on ion channel function.
ClinVar note: "not provided" was previously submitted as the classification for the variant. However, the classification appeared to be based only on an observation of functional data so it was converted to no classification on 2025-07-30.